The following is an entry in ClinVar:

ClinVar aggregate classification (germline): Uncertain significance. Review status: criteria provided, multiple submitters, no conflicts (2 of 4 stars). 3 submissions from 3 submitters: Uncertain significance (3). Last evaluated 2024-03-24.

Conditions:
Hereditary breast ovarian cancer syndrome. Also called: Hereditary breast and ovarian cancer; Hereditary breast and ovarian cancer syndrome (HBOC); Breast and ovarian cancer; Hereditary breast and ovarian cancer syndrome; BRCA1- and BRCA2-Associated Hereditary Breast and Ovarian Cancer; Hereditary breast and/or ovarian cancer syndrome. Identifiers: Orphanet 145, MedGen C0677776, MeSH D061325, MONDO:0003582. Disease mechanism: loss of function.
Hereditary cancer-predisposing syndrome. Also called: Tumor predisposition; Neoplastic Syndromes, Hereditary; Hereditary neoplastic syndrome; Hereditary Cancer Syndrome. Identifiers: Orphanet 140162, MedGen C0027672, MeSH D009386, MONDO:0015356.

Submissions (3):

Ambry Genetics
Classification: Uncertain significance for Hereditary cancer-predisposing syndrome. Last evaluated: 2024-03-24. Review status: criteria provided, single submitter. Criteria: Ambry Variant Classification Scheme 2023. Collection method: clinical testing. Allele origin: germline.
Comment: The c.4097-5T>G intronic variant results from a T to G substitution 5 nucleotides upstream from coding exon 10 in the BRCA1 gene. This nucleotide position is poorly conserved in available vertebrate species. In silico splice site analysis predicts that this alteration may weaken the native splice acceptor site. Based on the available evidence, the clinical significance of this alteration remains unclear.

Labcorp Genetics (formerly Invitae), Labcorp
Classification: Uncertain significance for Hereditary breast ovarian cancer syndrome. Last evaluated: 2019-06-07. Review status: criteria provided, single submitter. Criteria: Invitae Variant Classification Sherloc (09022015). Collection method: clinical testing. Allele origin: germline.
Comment: Algorithms developed to predict the effect of sequence changes on RNA splicing suggest that this variant may disrupt the consensus splice site, but this prediction has not been confirmed by published transcriptional studies. In summary, the available evidence is currently insufficient to determine the role of this variant in disease. Therefore, it has been classified as a Variant of Uncertain Significance. This variant has not been reported in the literature in individuals with BRCA1-related conditions. ClinVar contains an entry for this variant (Variation ID: 630712). This variant is not present in population databases (ExAC no frequency). This sequence change falls in intron 10 of the BRCA1 gene. It does not directly change the encoded amino acid sequence of the BRCA1 protein.

Color Diagnostics, LLC DBA Color Health
Classification: Uncertain significance for Hereditary cancer-predisposing syndrome. Last evaluated: 2019-05-16. Review status: criteria provided, single submitter. Criteria: ACMG Guidelines, 2015. Collection method: clinical testing. Allele origin: germline.

NM_007294.4(BRCA1):c.4097-5T>G

Gene: BRCA1 (BRCA1 DNA repair associated; minus strand). Cytogenetic location: 17q21.31.
Variant type: single nucleotide variant.
Coding change: c.4097-5T>G on transcript NM_007294.4 (MANE Select); 5 bases into the intron before coding-DNA position 4097, T replaced by G.
Molecular consequence: intron variant.
Genome position (GRCh38, 1-based): chr17:43,091,037, A>C on the plus strand (T>G on the coding strand, the complement: BRCA1 is on the minus strand). VCF-style: chr17-43091037-A-C. GRCh37 (hg19) VCF-style: chr17-41243054-A-C.
Other names: c.647-5T>G (NM_001408458.1, NM_001408469.1, NM_001408453.1 and 11 more transcripts); c.3209-5T>G (NM_001407967.1, NM_001407966.1); c.3716-5T>G (NM_001407959.1, NM_001407963.1, NM_001407960.1); c.3830-5T>G (NM_001407931.1, NM_001407932.1, NM_001407934.1 and 2 more transcripts); c.3953-5T>G (NM_001407747.1, NM_001407848.1, NM_001407839.1 and 20 more transcripts); c.3713-5T>G (NM_001407962.1); c.284-5T>G (NM_001408512.1); c.407-5T>G (NM_001408510.1); and 41 more.
Identifiers: ClinVar variation 630712 (VCV000630712.15), dbSNP rs1567788632, ClinGen allele CA913187793.
Genomic context (GRCh38, chr17:43,091,037, plus strand): 5'-CCCTGAGCAGTCTTCAGAGACGCTTGTTTCACTCTCACACCCAGATGCTGCTTCACCTTA[A>C]ATAACAAAAACAGAGGTTCAGATGTAAAAGCAGACTATAAACGCTGCAACTTGCTGTGTC-3'